The following is an entry in ClinVar:

ClinVar aggregate classification (germline): Uncertain significance (1 of 4 stars; one submission).

gnomAD v4.1: 3 of 1,614,168 alleles (0.00019%); highest among the groups gnomAD compares: Non-Finnish European, 0.00017%; no homozygotes.

Submission:

GeneDx
Classification: Uncertain significance. Last evaluated: 2024-02-28. Review status: criteria provided, single submitter. Criteria: GeneDx Variant Classification Process June 2021. Collection method: clinical testing. Allele origin: germline. Affected: yes.
Comment: Not observed at significant frequency in large population cohorts (gnomAD); In silico analysis supports that this missense variant has a deleterious effect on protein structure/function; Has not been previously published as pathogenic or benign to our knowledge

NM_153766.3(KCNJ1):c.152C>T (p.Thr51Ile)

Gene: KCNJ1 (potassium inwardly rectifying channel subfamily J member 1; minus strand). Cytogenetic location: 11q24.3.
Variant type: single nucleotide variant.
Coding change: c.152C>T on transcript NM_153766.3 (MANE Select); coding-DNA position 152, C replaced by T.
Protein change: p.Thr51Ile; replaces threonine 51 with isoleucine.
Molecular consequence: missense variant.
Genome position (GRCh38, 1-based): chr11:128,840,092, G>A on the plus strand (C>T on the coding strand, the complement: KCNJ1 is on the minus strand). VCF-style: chr11-128840092-G-A. GRCh37 (hg19) VCF-style: chr11-128709987-G-A.
Other names: c.209C>T, p.Thr70Ile (NM_000220.6); c.152C>T, p.Thr51Ile (NM_153764.3, NM_153767.4); c.203C>T, p.Thr68Ile (NM_153765.3); short protein forms T51I, T68I, T70I.
Identifiers: ClinVar variation 3369914 (VCV003369914.1).
Genomic context (GRCh38, chr11:128,840,092, plus strand): 5'-CCCAAGAAGGCTGTGATGAAAATGGTCATTTTGTATCTCCACTTGAGGTCAAGTACCGTT[G>A]TCCAGATGTCCACAAAGAATATAAACCTTGACTGTGCCTCCACATTGCCAAATTCTATGT-3'
Protein context (NP_722450.1, residues 41-61): SRFIFFVDIW[Thr51Ile]TVLDLKWRYK